The following is an entry in ClinVar:

ClinVar aggregate classification (germline): Uncertain significance. Review status: criteria provided, multiple submitters, no conflicts (2 of 4 stars). 3 submissions from 3 submitters: Uncertain significance (3). Last evaluated 2022-11-01.

Conditions:
Floating-Harbor syndrome (FLHS). Also called: SRCAP-Related Floating-Harbor Syndrome; Short stature with delayed bone age, expressive language delay, a triangular face with a prominent nose and deep-set eyes; Pelletier-Leisti syndrome. Identifiers: Orphanet 2044, MedGen C0729582, MONDO:0007621, OMIM 136140.
Developmental delay, hypotonia, musculoskeletal defects, and behavioral abnormalities. Identifiers: MedGen C5562012, MONDO:0859202, OMIM 619595.

Submissions (3):

GeneDx
Classification: Uncertain significance. Last evaluated: 2022-11-01. Review status: criteria provided, single submitter. Criteria: GeneDx Variant Classification Process June 2021. Collection method: clinical testing. Allele origin: germline. Affected: yes.
Comment: Not observed at significant frequency in large population cohorts (gnomAD); In silico analysis supports that this missense variant has a deleterious effect on protein structure/function; Has not been previously published as pathogenic or benign to our knowledge

Fulgent Genetics
Classification: Uncertain significance for Floating-Harbor syndrome; Developmental delay, hypotonia, musculoskeletal defects, and behavioral abnormalities. Last evaluated: 2021-08-30. Review status: criteria provided, single submitter. Criteria: ACMG Guidelines, 2015. Collection method: clinical testing. Allele origin: unknown.

Baylor Genetics
Classification: Uncertain significance for Floating-Harbor syndrome. Last evaluated: 2018-03-16. Review status: criteria provided, single submitter. Criteria: ACMG Guidelines, 2015. Collection method: clinical testing. Allele origin: unknown. Affected: yes.
Comment: This variant was determined to be of uncertain significance according to ACMG Guidelines, 2015 [PMID:25741868].

NM_006662.3(SRCAP):c.2125C>T (p.Arg709Trp)

Gene: SRCAP (Snf2 related CREBBP activator protein; plus strand). Cytogenetic location: 16p11.2.
Variant type: single nucleotide variant.
Coding change: c.2125C>T on transcript NM_006662.3 (MANE Select); coding-DNA position 2125, C replaced by T.
Protein change: p.Arg709Trp; replaces arginine 709 with tryptophan.
Molecular consequence: missense variant.
Genome position (GRCh38, 1-based): chr16:30,712,810, C>T. VCF-style: chr16-30712810-C-T. GRCh37 (hg19) VCF-style: chr16-30724131-C-T.
Other names: short protein forms R709W.
Identifiers: ClinVar variation 1033131 (VCV001033131.3), dbSNP rs760183638, ClinGen allele CA280507451.